The following is an entry in ClinVar:

NM_001386298.1(CIC):c.7519C>T (p.Pro2507Ser)

Gene: CIC (capicua transcriptional repressor; plus strand). Cytogenetic location: 19q13.2.
Variant type: single nucleotide variant.
Coding change: c.7519C>T on transcript NM_001386298.1 (MANE Select); coding-DNA position 7519, C replaced by T.
Protein change: p.Pro2507Ser; replaces proline 2507 with serine.
Molecular consequence: missense variant.
Genome position (GRCh38, 1-based): chr19:42,295,156, C>T. VCF-style: chr19-42295156-C-T. GRCh37 (hg19) VCF-style: chr19-42799308-C-T.
Other names: c.7519C>T, p.Pro2507Ser (NM_001304815.2); c.7516C>T, p.Pro2506Ser (NM_001379480.1, NM_001379482.1); c.4786C>T, p.Pro1596Ser (NM_001379484.1); c.4783C>T, p.Pro1595Ser (NM_001379485.1); c.4792C>T, p.Pro1598Ser (NM_015125.5); short protein forms P1595S, P1596S, P1598S, P2506S, P2507S.
Identifiers: ClinVar variation 3359361 (VCV003359361.1).
Genomic context (GRCh38, chr19:42,295,156, plus strand): 5'-CCCCCAGAGTCGGGGCCTGGACAGCCTGGCTGGGAGGGGGCTCCCCAGCCCTCCCCCCCA[C>T]CCCCAGGTCCCTCCACAGCTGCCACAGGCAGGTGAGGGACCCCTGAGAAGATGCCAGGAC-3'
Protein context (NP_001373227.1, residues 2497-2517): WEGAPQPSPP[Pro2507Ser]PGPSTAATGR

ClinVar aggregate classification (germline): Uncertain significance (1 of 4 stars; one submission).

Submission:

GeneDx
Classification: Uncertain significance. Last evaluated: 2023-05-31. Review status: criteria provided, single submitter. Criteria: GeneDx Variant Classification Process June 2021. Collection method: clinical testing. Allele origin: germline. Affected: yes.
Comment: Not observed at significant frequency in large population cohorts (gnomAD); In silico analysis supports that this missense variant does not alter protein structure/function; Has not been previously published as pathogenic or benign to our knowledge